The following is an entry in ClinVar:

ClinVar aggregate classification (germline): Uncertain significance (1 of 4 stars; one submission).

Allele frequency attached by ClinVar (database versions not stated): gnomAD exomes below 0.00001.
gnomAD v4.1: 2 of 1,614,120 alleles (0.00012%); highest among the groups gnomAD compares: Non-Finnish European, 0.00017%; no homozygotes.

Submission:

GeneDx
Classification: Uncertain significance. Last evaluated: 2023-07-30. Review status: criteria provided, single submitter. Criteria: GeneDx Variant Classification Process June 2021. Collection method: clinical testing. Allele origin: germline. Affected: yes.
Comment: Not observed at significant frequency in large population cohorts (gnomAD); In silico analysis supports that this missense variant has a deleterious effect on protein structure/function; Has not been previously published as pathogenic or benign to our knowledge

NM_016188.5(ACTL6B):c.202G>A (p.Asp68Asn)

Gene: ACTL6B (actin like 6B; minus strand). Cytogenetic location: 7q22.1.
Variant type: single nucleotide variant.
Coding change: c.202G>A on transcript NM_016188.5 (MANE Select); coding-DNA position 202, G replaced by A.
Protein change: p.Asp68Asn; replaces aspartic acid 68 with asparagine.
Molecular consequence: missense variant. On other transcripts: non-coding transcript variant (1).
Genome position (GRCh38, 1-based): chr7:100,655,487, C>T on the plus strand (G>A on the coding strand, the complement: ACTL6B is on the minus strand). VCF-style: chr7-100655487-C-T. GRCh37 (hg19) VCF-style: chr7-100253110-C-T.
Other names: short protein forms D68N.
Identifiers: ClinVar variation 2442616 (VCV002442616.2), dbSNP rs2486171607, ClinGen allele CA368549246.
Genomic context (GRCh38, chr7:100,655,487, plus strand): 5'-CATTCTTGAGGGGCGACATGACCTCCGCTCCATCCCGAGGCACGTGCAGGGCATTGGTGT[C>T]GATGTGGAAGATCTTCCCTTTCTTCTCTTTGTCCCCCTCCAGCTCCAGCCCGCCCCCCTC-3'
Protein context (NP_057272.1, residues 58-78): KEKKGKIFHI[Asp68Asn]TNALHVPRDG